The following is an entry in ClinVar:

ClinVar aggregate classification (germline): Conflicting classifications of pathogenicity. Review status: criteria provided, conflicting classifications (1 of 4 stars). 2 submissions from 2 submitters: Uncertain significance (1); Likely benign (1). Last evaluated 2025-12-16.

Conditions:
Inborn genetic diseases. Identifiers: MedGen C0950123, MeSH D030342.
Cowden syndrome (CS). Also called: Cowden's disease; Cowden's syndrome; Cowden disease. Identifiers: Orphanet 201, MedGen C0018553, MONDO:0016063. Disease mechanism: gain of function.

Allele frequency attached by ClinVar (database versions not stated): TOPMed below 0.00001; gnomAD exomes 0.00002; ExAC 0.00003.
gnomAD v4.1: 17 of 1,603,622 alleles (0.0011%); highest among the groups gnomAD compares: East Asian, 0.033%; no homozygotes.

Submissions (2):

Labcorp Genetics (formerly Invitae), Labcorp
Classification: Uncertain significance for Cowden syndrome. Last evaluated: 2025-12-16. Review status: criteria provided, single submitter. Criteria: Invitae Variant Classification Sherloc (09022015). Collection method: clinical testing. Allele origin: germline.
Comment: This sequence change replaces isoleucine, which is neutral and non-polar, with methionine, which is neutral and non-polar, at codon 889 of the PIK3CA protein (p.Ile889Met). This variant is present in population databases (rs17849078, gnomAD 0.03%). This variant has not been reported in the literature in individuals affected with PIK3CA-related conditions. ClinVar contains an entry for this variant (Variation ID: 640626). Invitae Evidence Modeling of protein sequence and biophysical properties (such as structural, functional, and spatial information, amino acid conservation, physicochemical variation, residue mobility, and thermodynamic stability) indicates that this missense variant is not expected to disrupt PIK3CA protein function with a negative predictive value of 95%. In summary, the available evidence is currently insufficient to determine the role of this variant in disease. Therefore, it has been classified as a Variant of Uncertain Significance.

Ambry Genetics
Classification: Likely benign for Inborn genetic diseases. Last evaluated: 2025-10-30. Review status: criteria provided, single submitter. Criteria: Ambry Variant Classification Scheme 2023. Collection method: clinical testing. Allele origin: germline.

NM_006218.4(PIK3CA):c.2667A>G (p.Ile889Met)

Gene: PIK3CA (phosphatidylinositol-4,5-bisphosphate 3-kinase catalytic subunit alpha; plus strand). Cytogenetic location: 3q26.32.
Variant type: single nucleotide variant.
Coding change: c.2667A>G on transcript NM_006218.4 (MANE Select); coding-DNA position 2667, A replaced by G.
Protein change: p.Ile889Met; replaces isoleucine 889 with methionine.
Molecular consequence: missense variant.
Genome position (GRCh38, 1-based): chr3:179,230,004, A>G. VCF-style: chr3-179230004-A-G. GRCh37 (hg19) VCF-style: chr3-178947792-A-G.
Other names: c.2667A>G (LRG_310t1); short protein forms I889M.
Identifiers: ClinVar variation 640626 (VCV000640626.10), dbSNP rs17849078, ClinGen allele CA2711006.